The following is an entry in ClinVar:

NM_004667.6(HERC2):c.10326G>A (p.Met3442Ile)

Gene: HERC2 (HECT and RLD domain containing E3 ubiquitin protein ligase 2; minus strand). Cytogenetic location: 15q13.1.
Variant type: single nucleotide variant.
Coding change: c.10326G>A on transcript NM_004667.6 (MANE Select); coding-DNA position 10326, G replaced by A.
Protein change: p.Met3442Ile; replaces methionine 3442 with isoleucine.
Molecular consequence: missense variant.
Genome position (GRCh38, 1-based): chr15:28,168,494, C>T on the plus strand (G>A on the coding strand, the complement: HERC2 is on the minus strand). VCF-style: chr15-28168494-C-T. GRCh37 (hg19) VCF-style: chr15-28413640-C-T.
Other names: short protein forms M3442I.
Identifiers: ClinVar variation 1245969 (VCV001245969.4), dbSNP rs61754657, ClinGen allele CA7440880.

ClinVar aggregate classification (germline): Benign. Review status: criteria provided, multiple submitters, no conflicts (2 of 4 stars). 3 submissions from 3 submitters: Benign (2). 1 of the submissions does not count toward it. Last evaluated 2021-03-10.

Conditions:
HERC2-related disorder. Also called: HERC2-related condition.

Allele frequency attached by ClinVar (database versions not stated): gnomAD exomes 0.00397 and 0.01109; ExAC 0.01347; gnomAD 0.04337 and 0.04647; TOPMed 0.04758; 1000 Genomes Project 0.04892; ESP Exome Variant Server 0.05005; 1000 Genomes Project 30x 0.05512.
gnomAD v4.1: 12,738 of 1,614,124 alleles (0.79%); highest among the groups gnomAD compares: African/African-American, 15%; 840 homozygotes.

Submissions (3):

GeneDx
Classification: Benign. Last evaluated: 2021-03-10. Review status: criteria provided, single submitter. Criteria: GeneDx Variant Classification Process June 2021. Collection method: clinical testing. Allele origin: germline. Affected: yes.

Breakthrough Genomics
Classification: Benign. Review status: criteria provided, single submitter. Criteria: ACMG Guidelines, 2015. Collection method: not provided. Allele origin: germline. Inheritance: Autosomal recessive inheritance. Affected: yes.

PreventionGenetics, part of Exact Sciences
Classification: Benign for HERC2-related condition. Last evaluated: 2024-07-30. Review status: no assertion criteria provided. Collection method: clinical testing. Allele origin: germline. Not counted in ClinVar's aggregate classification.
Comment: This variant is classified as benign based on ACMG/AMP sequence variant interpretation guidelines (Richards et al. 2015 PMID: 25741868, with internal and published modifications).